The following is an entry in ClinVar:

NM_024334.3(TMEM43):c.322G>T (p.Val108Phe)

Gene: TMEM43 (transmembrane protein 43; plus strand). Cytogenetic location: 3p25.1.
Variant type: single nucleotide variant.
Coding change: c.322G>T on transcript NM_024334.3 (MANE Select); coding-DNA position 322, G replaced by T.
Protein change: p.Val108Phe; replaces valine 108 with phenylalanine.
Molecular consequence: missense variant.
Genome position (GRCh38, 1-based): chr3:14,131,604, G>T. VCF-style: chr3-14131604-G-T. GRCh37 (hg19) VCF-style: chr3-14173104-G-T.
Other names: c.322G>T, p.Val108Phe (NM_001407274.1, NM_001407275.1, NM_001407276.1 and 2 more transcripts); c.307G>T, p.Val103Phe (NM_001407278.1); c.172G>T, p.Val58Phe (NM_001407280.1); short protein forms V108F, V103F, V58F.
Identifiers: ClinVar variation 1729182 (VCV001729182.6), dbSNP rs2124987801, ClinGen allele CA351534809.

ClinVar aggregate classification (germline): Uncertain significance. Review status: criteria provided, multiple submitters, no conflicts (2 of 4 stars). 3 submissions from 3 submitters: Uncertain significance (3). Last evaluated 2024-07-29.

Conditions:
Arrhythmogenic right ventricular dysplasia 5. Also called: ARRHYTHMOGENIC RIGHT VENTRICULAR DYSPLASIA, FAMILIAL, 5; Arrhythmogenic Right Ventricular Dysplasia/Cardiomyopathy 5. Identifiers: MedGen C1858379, MONDO:0011459, OMIM 604400.
Cardiovascular phenotype. Identifiers: MedGen CN230736.

Submissions (3):

All of Us Research Program, National Institutes of Health
Classification: Uncertain significance for Arrhythmogenic right ventricular dysplasia 5. Last evaluated: 2024-07-29. Review status: criteria provided, single submitter. Criteria: ACMG Guidelines, 2015. Collection method: clinical testing. Allele origin: germline. Inheritance: Autosomal dominant inheritance. Observed: 1 variant allele, 1 heterozygote.
Comment: This missense variant replaces valine with phenylalanine at codon 108 of the TMEM43 protein. Computational prediction suggests that this variant may not impact protein structure and function (internally defined REVEL score threshold <= 0.5, PMID: 27666373). To our knowledge, functional studies have not been reported for this variant. This variant has not been reported in individuals affected with TMEM43-related disorders in the literature. This variant has not been identified in the general population by the Genome Aggregation Database (gnomAD). The available evidence is insufficient to determine the role of this variant in disease conclusively. Therefore, this variant is classified as a Variant of Uncertain Significance.

This study involves interpretation of variants in research participants for the purpose of population health screening. Participant phenotype was not available at the time of variant classification. Additional details can be found in publication PMID: 35346344, PMCID: PMC8962531

Labcorp Genetics (formerly Invitae), Labcorp
Classification: Uncertain significance for Arrhythmogenic right ventricular dysplasia 5. Last evaluated: 2023-05-31. Review status: criteria provided, single submitter. Criteria: Invitae Variant Classification Sherloc (09022015). Collection method: clinical testing. Allele origin: germline.
Comment: This sequence change replaces valine, which is neutral and non-polar, with phenylalanine, which is neutral and non-polar, at codon 108 of the TMEM43 protein (p.Val108Phe). This variant is not present in population databases (gnomAD no frequency). This variant has not been reported in the literature in individuals affected with TMEM43-related conditions. ClinVar contains an entry for this variant (Variation ID: 1729182). Advanced modeling of protein sequence and biophysical properties (such as structural, functional, and spatial information, amino acid conservation, physicochemical variation, residue mobility, and thermodynamic stability) performed at Invitae indicates that this missense variant is not expected to disrupt TMEM43 protein function. In summary, the available evidence is currently insufficient to determine the role of this variant in disease. Therefore, it has been classified as a Variant of Uncertain Significance.

Ambry Genetics
Classification: Uncertain significance for Cardiovascular phenotype. Last evaluated: 2019-02-05. Review status: criteria provided, single submitter. Criteria: Ambry Variant Classification Scheme 2023. Collection method: clinical testing. Allele origin: germline.
Comment: The p.V108F variant (also known as c.322G>T), located in coding exon 4 of the TMEM43 gene, results from a G to T substitution at nucleotide position 322. The valine at codon 108 is replaced by phenylalanine, an amino acid with highly similar properties. Another alteration affecting the same amino acid, p.V108A (c.323T>C), has been reported in association with sudden unexplained death (Hata Y et al. Heart Rhythm, 2016 07;13:1544-51). This amino acid position is well conserved in available vertebrate species. In addition, the in silico prediction for this alteration is inconclusive. Since supporting evidence is limited at this time, the clinical significance of this alteration remains unclear.

Literature cited by the submitters: PubMed 27005929 (cited by Ambry Genetics).